The following is an entry in ClinVar:

ClinVar aggregate classification (germline): Benign. Review status: criteria provided, multiple submitters, no conflicts (2 of 4 stars). 2 submissions from 2 submitters: Benign (2). Last evaluated 2019-01-11.

Allele frequency attached by ClinVar (database versions not stated): ExAC 0.22128; gnomAD 0.22648 and 0.22318; ESP Exome Variant Server 0.22736; 1000 Genomes Project 30x 0.19582; 1000 Genomes Project 0.19030; TOPMed 0.22619; gnomAD exomes 0.22660 and 0.23511.
gnomAD v4.1: 376,065 of 1,613,822 alleles (23%); highest among the groups gnomAD compares: Admixed American, 32%; 45,242 homozygotes.

Submissions (8):

GeneDx
Classification: Benign. Last evaluated: 2019-01-11. Review status: criteria provided, single submitter. Criteria: GeneDx Variant Classification Process June 2021. Collection method: clinical testing. Allele origin: germline. Affected: yes.
Comment: This variant is associated with the following publications: (PMID: 29083408)

Breakthrough Genomics
Classification: Benign. Review status: criteria provided, single submitter. Criteria: ACMG Guidelines, 2015. Collection method: not provided. Allele origin: germline. Inheritance: Unknown mechanism. Affected: yes.

Dr. Peter K. Rogan Lab, Western University
No classification provided (evidence only). Condition: Squamous cell carcinoma of the head and neck. Review status: no classification provided. Collection method: in vitro. Allele origin: not applicable. Functional consequence: retained intron. Not counted in ClinVar's aggregate classification.

Dr. Peter K. Rogan Lab, Western University
No classification provided (evidence only). Condition: Malignant lymphoma, large B-cell, diffuse. Review status: no classification provided. Collection method: in vitro. Allele origin: not applicable. Functional consequence: retained intron. Not counted in ClinVar's aggregate classification.

Dr. Peter K. Rogan Lab, Western University
No classification provided (evidence only). Condition: Malignant lymphoma, large B-cell, diffuse. Review status: no classification provided. Collection method: in vitro. Allele origin: not applicable. Functional consequence: retained intron. Not counted in ClinVar's aggregate classification.

Dr. Peter K. Rogan Lab, Western University
No classification provided (evidence only). Condition: Malignant lymphoma, large B-cell, diffuse. Review status: no classification provided. Collection method: in vitro. Allele origin: not applicable. Functional consequence: retained intron. Not counted in ClinVar's aggregate classification.

Dr. Peter K. Rogan Lab, Western University
No classification provided (evidence only). Condition: Malignant lymphoma, large B-cell, diffuse. Review status: no classification provided. Collection method: in vitro. Allele origin: not applicable. Functional consequence: retained intron. Not counted in ClinVar's aggregate classification.

Dr. Peter K. Rogan Lab, Western University
No classification provided (evidence only). Condition: Uterine carcinosarcoma. Review status: no classification provided. Collection method: in vitro. Allele origin: not applicable. Functional consequence: retained intron. Not counted in ClinVar's aggregate classification.

NM_014058.4(TMPRSS11E):c.908A>G (p.Tyr303Cys)

Gene: TMPRSS11E (transmembrane serine protease 11E; plus strand). Cytogenetic location: 4q13.2.
Variant type: single nucleotide variant.
Coding change: c.908A>G on transcript NM_014058.4 (MANE Select); coding-DNA position 908, A replaced by G.
Protein change: p.Tyr303Cys; replaces tyrosine 303 with cysteine.
Molecular consequence: missense variant.
Genome position (GRCh38, 1-based): chr4:68,477,569, A>G. VCF-style: chr4-68477569-A-G. GRCh37 (hg19) VCF-style: chr4-69343287-A-G.
Other names: NC_000004.11:g.69343287A>G; short protein forms Y303C.
Identifiers: ClinVar variation 1249332 (VCV001249332.4), dbSNP rs976002, ClinGen allele CA2941878.